The following is an entry in ClinVar:

ClinVar aggregate classification (germline): Uncertain significance (1 of 4 stars; one submission).

Allele frequency attached by ClinVar (database versions not stated): gnomAD 0.00001; gnomAD exomes 0.00001; TOPMed 0.00001.
gnomAD v4.1: 13 of 1,613,586 alleles (0.00081%); highest among the groups gnomAD compares: Admixed American, 0.0033%; no homozygotes.

Submission:

Labcorp Genetics (formerly Invitae), Labcorp
Classification: Uncertain significance. Last evaluated: 2022-01-27. Review status: criteria provided, single submitter. Criteria: Invitae Variant Classification Sherloc (09022015). Collection method: clinical testing. Allele origin: germline.
Comment: In summary, the available evidence is currently insufficient to determine the role of this variant in disease. Therefore, it has been classified as a Variant of Uncertain Significance. Algorithms developed to predict the effect of missense changes on protein structure and function output the following: SIFT: "Deleterious"; PolyPhen-2: "Benign"; Align-GVGD: "Class C0". The histidine amino acid residue is found in multiple mammalian species, which suggests that this missense change does not adversely affect protein function. This variant has not been reported in the literature in individuals affected with C6-related conditions. This variant is present in population databases (rs759873837, gnomAD 0.003%). This sequence change replaces arginine, which is basic and polar, with histidine, which is basic and polar, at codon 600 of the C6 protein (p.Arg600His).

NM_000065.5(C6):c.1799G>A (p.Arg600His)

Gene: C6 (complement C6; minus strand). Cytogenetic location: 5p13.1.
Variant type: single nucleotide variant.
Coding change: c.1799G>A on transcript NM_000065.5 (MANE Select); coding-DNA position 1799, G replaced by A.
Protein change: p.Arg600His; replaces arginine 600 with histidine.
Molecular consequence: missense variant.
Genome position (GRCh38, 1-based): chr5:41,159,139, C>T on the plus strand (G>A on the coding strand, the complement: C6 is on the minus strand). VCF-style: chr5-41159139-C-T. GRCh37 (hg19) VCF-style: chr5-41159241-C-T.
Other names: c.1799G>A, p.Arg600His (NM_001115131.4); short protein forms R600H.
Identifiers: ClinVar variation 2077462 (VCV002077462.2), dbSNP rs759873837, ClinGen allele CA3252333.